The following is an entry in ClinVar:

NM_001034853.2(RPGR):c.2501_2522del (p.Glu834fs)

Gene: RPGR (retinitis pigmentosa GTPase regulator; minus strand). Cytogenetic location: Xp11.4.
Variant type: Deletion.
Coding change: c.2501_2522del on transcript NM_001034853.2 (MANE Select); coding-DNA positions 2501 to 2522, 22 bases deleted (AGGGGGAAGAGGAGGAAGGGGA).
Protein change: p.Glu834fs; shifts the reading frame from glutamic acid 834.
Molecular consequence: frameshift variant. On other transcripts: intron variant (8).
Genome position (GRCh38, 1-based): chrX:38,286,477-38,286,498, TCCCCTTCCTCCTCTTCCCCCT deleted on the plus strand (AGGGGGAAGAGGAGGAAGGGGA on the coding strand, the reverse complement: RPGR is on the minus strand). VCF-style (leftmost placement, unchanged base first): chrX-38286476-CTCCCCTTCCTCCTCTTCCCCCT-C. GRCh37 (hg19) VCF-style: chrX-38145729-CTCCCCTTCCTCCTCTTCCCCCT-C.
Other names: c.1569+4461_1569+4482del (NM_001367249.1, NM_001367250.1); c.1902+596_1902+617del (NM_001367245.1); c.1386+4461_1386+4482del (NM_001367251.1); c.1719+596_1719+617del (NM_001367246.1); c.1572+4461_1572+4482del (NM_001367247.1); c.1905+596_1905+617del (NM_000328.3); c.1602+4461_1602+4482del (NM_001367248.1); short protein forms E834fs.
Identifiers: ClinVar variation 865755 (VCV000865755.2), dbSNP rs2067176160, ClinGen allele CA916083897.
Genomic context (GRCh38, chrX:38,286,476, plus strand): 5'-TTCTTCCTCCCCTTTCCCTTCTCCTTCCTCCTCTTCCCCCTCCCCTTCCTCCTCTTCCCC[CTCCCCTTCCTCCTCTTCCCCCT>C]CACCCTCCTCCTCTTCCTCTTCCCTCTCTCCTTTCCCCTCCTCTACTTCCCCTCCCTCTA-3'

ClinVar aggregate classification (germline): Likely pathogenic. Review status: criteria provided, single submitter (1 of 4 stars). 2 submissions from 1 submitter: Likely pathogenic (1). 1 of the submissions does not count toward it. Last evaluated 2018-08-08.

Conditions:
Retinitis pigmentosa 3. Also called: CHOROIDORETINAL DEGENERATION WITH RETINAL REFLEX IN HETEROZYGOUS WOMEN. Identifiers: Orphanet 791, MedGen C1845667, MONDO:0010227, OMIM 300029.
Retinal dystrophy. Also called: Inherited retinal dystrophy. Identifiers: Orphanet 71862, MedGen C0854723, MeSH D058499, MONDO:0019118, HP:0000556.

Submissions (2):

Blueprint Genetics
Classification: Likely pathogenic for Retinal dystrophy. Last evaluated: 2018-08-08. Review status: criteria provided, single submitter. Criteria: Blueprint Genetics Variant Classification Scheme. Collection method: clinical testing. Allele origin: germline. Affected: yes.

Blueprint Genetics
Classification: Likely pathogenic for Retinitis pigmentosa 3. Review status: no assertion criteria provided. Collection method: clinical testing. Allele origin: germline. Affected: yes. Not counted in ClinVar's aggregate classification.